The following is an entry in ClinVar:

NM_020975.6(RET):c.2730+229T>C

Gene: RET (ret proto-oncogene; plus strand). Cytogenetic location: 10q11.21.
Variant type: single nucleotide variant.
Coding change: c.2730+229T>C on transcript NM_020975.6 (MANE Select); 229 bases into the intron after coding-DNA position 2730, T replaced by C.
Molecular consequence: intron variant.
Genome position (GRCh38, 1-based): chr10:43,120,432, T>C. VCF-style: chr10-43120432-T-C. GRCh37 (hg19) VCF-style: chr10-43615880-T-C.
Other names: c.2730+229T>C (NM_020630.7, NM_001406743.1, NM_001406744.1 and 2 more transcripts); c.2595+229T>C (NM_001406765.1, NM_001406763.1); c.2334+229T>C (NM_001406772.1, NM_001406769.1); c.2292+229T>C (NM_001406773.1, NM_001406771.1); c.1833+229T>C (NM_001406782.1, NM_001406780.1, NM_001406779.1 and 1 more transcripts); c.1698+229T>C (NM_001406787.1); c.1713+229T>C (NM_001406785.1); c.2601+229T>C (NM_001406764.1, NM_001406762.1, NM_001406761.1); and 10 more.
Identifiers: ClinVar variation 677754 (VCV000677754.3), dbSNP rs3026768, ClinGen allele CA13352291.
Genomic context (GRCh38, chr10:43,120,432, plus strand): 5'-AGAACTCCGCTCAGCCTCTGCCATGTCCTTCTCCTCCAGGGCCTCCAGGGCACCCCTCCC[T>C]GGCAGCATACTGACCCGAGGCCCTTGCCGCACTTTTCAGAGGCCACCTCATGCTGCGGAA-3'

ClinVar aggregate classification (germline): Benign (1 of 4 stars; one submission).

Allele frequency attached by ClinVar (database versions not stated): 1000 Genomes Project 0.04014; 1000 Genomes Project 30x 0.04107; TOPMed 0.04310; gnomAD 0.04385 and 0.04450.
gnomAD v4.1: 6,857 of 152,322 alleles (4.5%); highest among the groups gnomAD compares: South Asian, 8.9%; 187 homozygotes.

Submission:

GeneDx
Classification: Benign. Last evaluated: 2018-06-12. Review status: criteria provided, single submitter. Criteria: GeneDx Variant Classification (06012015). Collection method: clinical testing. Allele origin: germline. Affected: yes.
Comment: This variant is considered likely benign or benign based on one or more of the following criteria: it is a conservative change, it occurs at a poorly conserved position in the protein, it is predicted to be benign by multiple in silico algorithms, and/or has population frequency not consistent with disease.